The following is an entry in ClinVar:

NM_021224.6(ZNF462):c.5539C>G (p.Arg1847Gly)

Gene: ZNF462 (zinc finger protein 462; plus strand). Cytogenetic location: 9q31.2.
Variant type: single nucleotide variant.
Coding change: c.5539C>G on transcript NM_021224.6 (MANE Select); coding-DNA position 5539, C replaced by G.
Protein change: p.Arg1847Gly; replaces arginine 1847 with glycine.
Molecular consequence: missense variant. On other transcripts: intron variant (1).
Genome position (GRCh38, 1-based): chr9:106,929,451, C>G. VCF-style: chr9-106929451-C-G. GRCh37 (hg19) VCF-style: chr9-109691732-C-G.
Other names: c.3253-1074C>G (NM_001347997.2); short protein forms R1847G.
Identifiers: ClinVar variation 2662448 (VCV002662448.1), dbSNP rs377746677, ClinGen allele CA5172024.
Genomic context (GRCh38, chr9:106,929,451, plus strand): 5'-GGCAACTTTGAGAAAGCCGAGGTGGAGGGTGAAGCTCAGGAAATCGAGTGGCTCCCATTC[C>G]GCTGCATCAAATGCTTCAAGCTGTCCTTTAGCACTGCAGAGCTGCTGTGCATGCATTACA-3'
Protein context (NP_067047.4, residues 1837-1857): EAQEIEWLPF[Arg1847Gly]CIKCFKLSFS

ClinVar aggregate classification (germline): Uncertain significance (1 of 4 stars; one submission).

gnomAD v4.1: 1 of 1,614,048 alleles (0.000062%); highest among the groups gnomAD compares: Non-Finnish European, 0.000085%; no homozygotes.

Submission:

GeneDx
Classification: Uncertain significance. Last evaluated: 2023-05-05. Review status: criteria provided, single submitter. Criteria: GeneDx Variant Classification Process June 2021. Collection method: clinical testing. Allele origin: germline. Affected: yes.
Comment: Has not been previously published as pathogenic or benign to our knowledge